The following is an entry in ClinVar:

NM_021074.5(NDUFV2):c.204A>C (p.Lys68Asn)

Gene: NDUFV2 (NADH:ubiquinone oxidoreductase core subunit V2; plus strand). Cytogenetic location: 18p11.22.
Variant type: single nucleotide variant.
Coding change: c.204A>C on transcript NM_021074.5 (MANE Select); coding-DNA position 204, A replaced by C.
Protein change: p.Lys68Asn; replaces lysine 68 with asparagine.
Molecular consequence: missense variant.
Genome position (GRCh38, 1-based): chr18:9,119,494, A>C. VCF-style: chr18-9119494-A-C. GRCh37 (hg19) VCF-style: chr18-9119492-A-C.
Other names: short protein forms K68N.
Identifiers: ClinVar variation 2001695 (VCV002001695.4), dbSNP rs2510151290, ClinGen allele CA402023592.

ClinVar aggregate classification (germline): Uncertain significance (1 of 4 stars; one submission).

Submission:

Labcorp Genetics (formerly Invitae), Labcorp
Classification: Uncertain significance. Last evaluated: 2024-10-25. Review status: criteria provided, single submitter. Criteria: Invitae Variant Classification Sherloc (09022015). Collection method: clinical testing. Allele origin: germline.
Comment: This sequence change replaces lysine, which is basic and polar, with asparagine, which is neutral and polar, at codon 68 of the NDUFV2 protein (p.Lys68Asn). This variant is not present in population databases (gnomAD no frequency). This variant has not been reported in the literature in individuals affected with NDUFV2-related conditions. ClinVar contains an entry for this variant (Variation ID: 2001695). Invitae Evidence Modeling of protein sequence and biophysical properties (such as structural, functional, and spatial information, amino acid conservation, physicochemical variation, residue mobility, and thermodynamic stability) indicates that this missense variant is not expected to disrupt NDUFV2 protein function with a negative predictive value of 80%. In summary, the available evidence is currently insufficient to determine the role of this variant in disease. Therefore, it has been classified as a Variant of Uncertain Significance.